The following continues an entry in ClinVar:

NM_007294.4(BRCA1):c.5453A>G (p.Asp1818Gly)

Gene: BRCA1. ClinVar aggregate classification (germline): Pathogenic/Likely pathogenic. Pathogenic (6); Likely pathogenic (3).

Submissions 7 to 12 of 12:

Women's Health and Genetics/Laboratory Corporation of America, LabCorp
Classification: Pathogenic for Hereditary breast ovarian cancer syndrome. Last evaluated: 2021-06-30. Review status: criteria provided, single submitter. Criteria: LabCorp Variant Classification Summary - May 2015. Collection method: clinical testing. Allele origin: germline.
Comment: Variant summary: BRCA1 c.5453A>G (p.Asp1818Gly) results in a non-conservative amino acid change located in the BRCT domain (IPR001357) of the encoded protein sequence. Three of five in-silico tools predict a benign effect of the variant on protein function. The variant was absent in 251488 control chromosomes. c.5453A>G has been reported in the literature in multiple families affected with Hereditary Breast And Ovarian Cancer Syndrome (e.g. Rouleau_2010, Rebbeck_2018, Parsons_2019). These data indicate that the variant is likely to be associated with disease. Several publications report experimental evidence evaluating an impact on protein function, indicating that the predicted amino acid change has limited effects on protein function (e.g. Lee_2010, Fernandes_2019). However, several additional publications report that the variant has an effect on mRNA splicing, resulting in a frameshift and premature stop codon (producing the protein change p.Gly1803GlnfsX11 and resulting in skipping of exon 23), rather than the predicted missense change (e.g. Rouleau_2010, Houdayer_2012, Wai_2020). These findings provide additional evidence for a pathogenic effect. Five ClinVar submitters (evaluation after 2014; including one expert panel) have cited the variant as pathogenic/likely pathogenic. Based on the evidence outlined above, the variant was classified as pathogenic.

CHEO Genetics Diagnostic Laboratory, Children's Hospital of Eastern Ontario
Classification: Likely pathogenic for Breast and/or ovarian cancer. Last evaluated: 2018-03-29. Review status: criteria provided, single submitter. Criteria: ACMG Guidelines, 2015. Collection method: clinical testing. Allele origin: germline.

Consortium of Investigators of Modifiers of BRCA1/2 (CIMBA), c/o University of Cambridge
Classification: Pathogenic for Breast-ovarian cancer, familial, susceptibility to, 1. Last evaluated: 2015-10-02. Review status: criteria provided, single submitter. Criteria: CIMBA Mutation Classification guidelines May 2016. Collection method: clinical testing. Allele origin: germline.

Sharing Clinical Reports Project (SCRP)
Classification: Pathogenic for Breast-ovarian cancer, familial 1. Last evaluated: 2010-12-09. Review status: no assertion criteria provided. Collection method: clinical testing. Allele origin: germline. Not counted in ClinVar's aggregate classification.

Breast Cancer Information Core (BIC) (BRCA1)
Classification: Uncertain significance for Breast-ovarian cancer, familial 1. Last evaluated: 2003-12-23. Review status: no assertion criteria provided. Collection method: clinical testing. Allele origin: germline. Affected: yes. Observed: 1 variant allele. Not counted in ClinVar's aggregate classification.

Brotman Baty Institute, University of Washington
No classification provided (evidence only). Condition: Breast-ovarian cancer, familial 1. Review status: no classification provided. Collection method: in vitro. Allele origin: not applicable. Functional consequence: functionally_abnormal. Not counted in ClinVar's aggregate classification.
ClinVar note: "not provided" was previously submitted as the classification for the variant. However, the classification appeared to be based only on an observation of functional data so it was converted to no classification on 2025-07-30.

Literature cited by the submitters: PubMed 17305420 (cited by Ambry Genetics and Women's Health and Genetics/Laboratory Corporation of America, LabCorp); PubMed 20516115 (cited by 3 submitters); PubMed 20875879 (cited by 6 submitters); PubMed 21309043 (cited by Ambry Genetics and Women's Health and Genetics/Laboratory Corporation of America, LabCorp); PubMed 30209399 (cited by 6 submitters); PubMed 22505045 (cited by 3 submitters); PubMed 29446198 (cited by Labcorp Genetics (formerly Invitae), Labcorp and Women's Health and Genetics/Laboratory Corporation of America, LabCorp); PubMed 11573086 (cited by Labcorp Genetics (formerly Invitae), Labcorp); PubMed 14576433 (cited by Labcorp Genetics (formerly Invitae), Labcorp); PubMed 15133503 (cited by Labcorp Genetics (formerly Invitae), Labcorp); PubMed 25652403 (cited by Labcorp Genetics (formerly Invitae), Labcorp); PubMed 31131967 (cited by 3 submitters); PubMed 31853058 (cited by All of Us Research Program, National Institutes of Health and Color Diagnostics, LLC DBA Color Health); PubMed 32123317 (cited by 3 submitters); PubMed 15385441 (cited by Women's Health and Genetics/Laboratory Corporation of America, LabCorp); PubMed 30765603 (cited by Women's Health and Genetics/Laboratory Corporation of America, LabCorp); PubMed 33087888 (cited by Women's Health and Genetics/Laboratory Corporation of America, LabCorp).